The following is an entry in ClinVar:

NM_000143.4(FH):c.459A>G (p.Val153=)

Gene: FH (fumarate hydratase; minus strand). Cytogenetic location: 1q43.
Variant type: single nucleotide variant.
Coding change: c.459A>G on transcript NM_000143.4 (MANE Select); coding-DNA position 459, A replaced by G.
Protein change: p.Val153=; no amino-acid change (valine 153 retained).
Molecular consequence: synonymous variant.
Genome position (GRCh38, 1-based): chr1:241,512,063, T>C on the plus strand (A>G on the coding strand, the complement: FH is on the minus strand). VCF-style: chr1-241512063-T-C. GRCh37 (hg19) VCF-style: chr1-241675363-T-C.
Other names: c.459A>G (NM_000143.3).
Identifiers: ClinVar variation 1117438 (VCV001117438.11), dbSNP rs1260492902, ClinGen allele CA424076308.
Genomic context (GRCh38, chr1:241,512,063, plus strand): 5'-TATCTTGCTGCCAAGTTCACCTCCTAACATTTCAATTGCTCTATTGCTAATGACTTCATT[T>C]ACATTCATATTTGTCTGAGTTCCTGATCCAGTCTGCCATACCACGAGAGGAAAATGATCA-3'
Protein context (NP_000134.2, residues 143-163): TGSGTQTNMN[Val153=]NEVISNRAIE

ClinVar aggregate classification (germline): Benign/Likely benign. Review status: criteria provided, multiple submitters, no conflicts (2 of 4 stars). 3 submissions from 3 submitters: Benign (1); Likely benign (2). Last evaluated 2026-02-07.

Conditions:
Hereditary cancer-predisposing syndrome. Also called: Neoplastic Syndromes, Hereditary; Hereditary Cancer Syndrome; Hereditary neoplastic syndrome; Tumor predisposition. Identifiers: Orphanet 140162, MedGen C0027672, MeSH D009386, MONDO:0015356.
Hereditary leiomyomatosis and renal cell cancer. Also called: Reed syndrome; Multiple cutaneous and uterine leiomyomatosis; Cutaneous leiomyomata with uterine leiomyomata; Leiomyoma, hereditary multiple, of skin; Multiple cutaneous and uterine leiomyomata; Multiple cutaneous leiomyomas. Identifiers: Orphanet 523, MedGen C1708350, MONDO:0007888, OMIM 150800, HP:0007437. Disease mechanism: loss of function.

Submissions (3):

Ambry Genetics
Classification: Likely benign for Hereditary cancer-predisposing syndrome. Last evaluated: 2026-02-07. Review status: criteria provided, single submitter. Criteria: Ambry Variant Classification Scheme 2023. Collection method: clinical testing. Allele origin: germline.

Labcorp Genetics (formerly Invitae), Labcorp
Classification: Likely benign. Last evaluated: 2025-01-29. Review status: criteria provided, single submitter. Criteria: Invitae Variant Classification Sherloc (09022015). Collection method: clinical testing. Allele origin: germline.

Myriad Genetics, Inc.
Classification: Benign for Hereditary leiomyomatosis and renal cell cancer. Last evaluated: 2024-10-18. Review status: criteria provided, single submitter. Criteria: Myriad Autosomal Dominant, Autosomal Recessive and X-Linked Classification Criteria (2023). Collection method: clinical testing. Allele origin: unknown.
Comment: This variant is considered benign. This variant is a silent/synonymous amino acid change and it is not expected to impact splicing.